The following is an entry in ClinVar:

ClinVar aggregate classification (germline): Pathogenic (1 of 4 stars; one submission).

Conditions:
Fanconi anemia (FA). Also called: Fanconi's anemia. Identifiers: Orphanet 84, MedGen C0015625, MeSH D005199, MONDO:0019391.

Submission:

Labcorp Genetics (formerly Invitae), Labcorp
Classification: Pathogenic for Fanconi anemia. Last evaluated: 2019-05-16. Review status: criteria provided, single submitter. Criteria: Invitae Variant Classification Sherloc (09022015). Collection method: clinical testing. Allele origin: germline.
Comment: A gross deletion of the genomic region encompassing the full coding sequence of the FANCA gene has been identified. The boundaries of this event are unknown as the deletion extends beyond the assayed region for this gene and therefore may encompass additional genes. Deletions of the FANCA gene have been observed in individuals affected with Fanconi anemia (PMID: 9721219, 29098742). Loss-of-function variants in FANCA are known to be pathogenic (PMID: 19367192). For these reasons, this variant has been classified as Pathogenic.

Literature cited by the submitters: PubMed 29098742; PubMed 9721219.

NC_000016.10:g.(?_89738591)_(89920222_?)del

Genes: FANCA (FA complementation group A; minus strand), MC1R (melanocortin 1 receptor; plus strand), SPIRE2 (spire type actin nucleation factor 2; plus strand), TCF25 (TCF25 ribosome quality control complex subunit; plus strand), ZNF276 (zinc finger protein 276; plus strand). Cytogenetic location: 16q24.3.
Variant type: Deletion.
Identifiers: ClinVar variation 830897 (VCV000830897.1).